The following is an entry in ClinVar:

NM_003803.4(MYOM1):c.-9G>A

Gene: MYOM1 (myomesin 1; minus strand). Cytogenetic location: 18p11.31.
Variant type: single nucleotide variant.
Coding change: c.-9G>A on transcript NM_003803.4 (MANE Select); 9 bases upstream of the start codon, G replaced by A.
Molecular consequence: 5 prime UTR variant.
Genome position (GRCh38, 1-based): chr18:3,215,232, C>T on the plus strand (G>A on the coding strand, the complement: MYOM1 is on the minus strand). VCF-style: chr18-3215232-C-T. GRCh37 (hg19) VCF-style: chr18-3215230-C-T.
Other names: c.-9G>A (NM_019856.2).
Identifiers: ClinVar variation 226839 (VCV000226839.9), dbSNP rs1662315, ClinGen allele CA8875397.
Genomic context (GRCh38, chr18:3,215,232, plus strand): 5'-GGTAGCTGAGATCATAGTGCTGGTGGCACCTCTGATAAAAAGGCAAAGACATCCTGTGCC[C>T]CTTGAAGGAACCGGGCCACCTGAAGGAAAACAACACTTTTTGAGTGACTTATTAAGGAAC-3'

ClinVar aggregate classification (germline): Benign. Review status: criteria provided, multiple submitters, no conflicts (2 of 4 stars). 4 submissions from 4 submitters: Benign (3). 1 of the submissions does not count toward it. Last evaluated 2019-04-10.

Conditions:
MYOM1-related disorder.

Allele frequency attached by ClinVar (database versions not stated): ESP Exome Variant Server 0.24220; TOPMed 0.26546; ExAC 0.30410; 1000 Genomes Project 30x 0.32573; gnomAD exomes 0.24436 and 0.26485; gnomAD 0.26044 and 0.26427; 1000 Genomes Project 0.33566.
gnomAD v4.1: 394,249 of 1,598,040 alleles (25%); highest among the groups gnomAD compares: East Asian, 64%; 52,778 homozygotes.

Submissions (4):

GeneDx
Classification: Benign. Last evaluated: 2019-04-10. Review status: criteria provided, single submitter. Criteria: GeneDx Variant Classification Process June 2021. Collection method: clinical testing. Allele origin: germline. Affected: yes.

Laboratory for Molecular Medicine, Mass General Brigham Personalized Medicine
Classification: Benign. Last evaluated: 2014-11-24. Review status: criteria provided, single submitter. Criteria: LMM Criteria. Collection method: clinical testing. Allele origin: germline. Observed: 224 variant alleles.
Comment: -9G>A in exon 2 of MYOM1: This variant is not expected to have clinical signific ance because it has been identified in 27.9% (1141/4096) of African American chr omosomes from a broad population by the NHLBI Exome Sequencing Project (dbSNP rs1662315).

Breakthrough Genomics
Classification: Benign. Review status: criteria provided, single submitter. Criteria: ACMG Guidelines, 2015. Collection method: not provided. Allele origin: germline. Inheritance: Unknown mechanism. Affected: yes.

PreventionGenetics, part of Exact Sciences
Classification: Benign for MYOM1-related condition. Last evaluated: 2019-10-21. Review status: no assertion criteria provided. Collection method: clinical testing. Allele origin: germline. Not counted in ClinVar's aggregate classification.
Comment: This variant is classified as benign based on ACMG/AMP sequence variant interpretation guidelines (Richards et al. 2015 PMID: 25741868, with internal and published modifications).